The following is an entry in ClinVar:

ClinVar aggregate classification (germline): Uncertain significance. Review status: criteria provided, multiple submitters, no conflicts (2 of 4 stars). 2 submissions from 2 submitters: Uncertain significance (2). Last evaluated 2025-08-27.

Conditions:
Inborn genetic diseases. Identifiers: MedGen C0950123, MeSH D030342.
Hereditary spastic paraplegia 11. Also called: SPASTIC PARAPLEGIA, AUTOSOMAL RECESSIVE, COMPLICATED, WITH THIN CORPUS CALLOSUM; SPASTIC PARAPLEGIA, AUTOSOMAL RECESSIVE, WITH MENTAL IMPAIRMENT AND THIN CORPUS CALLOSUM; Nakamura Osame syndrome; Autosomal recessive hereditary spastic paraplegia, mental impairment, and thin corpus callosum; Spastic paraplegia, mental retardation and thin corpus callosum; Spastic Paraplegia 11. Identifiers: Orphanet 2822, MedGen C1858479, MONDO:0011445, OMIM 604360.

Allele frequency attached by ClinVar (database versions not stated): gnomAD exomes below 0.00001.
gnomAD v4.1: 4 of 1,613,998 alleles (0.00025%); highest among the groups gnomAD compares: Non-Finnish European, 0.00034%; no homozygotes.

Submissions (2):

Ambry Genetics
Classification: Uncertain significance for Inborn genetic diseases. Last evaluated: 2025-08-27. Review status: criteria provided, single submitter. Criteria: Ambry Variant Classification Scheme 2023. Collection method: clinical testing. Allele origin: germline.

Labcorp Genetics (formerly Invitae), Labcorp
Classification: Uncertain significance for Hereditary spastic paraplegia 11. Last evaluated: 2021-08-31. Review status: criteria provided, single submitter. Criteria: Invitae Variant Classification Sherloc (09022015). Collection method: clinical testing. Allele origin: germline.
Comment: This sequence change replaces lysine with threonine at codon 2296 of the SPG11 protein (p.Lys2296Thr). The lysine residue is highly conserved and there is a moderate physicochemical difference between lysine and threonine. This variant is not present in population databases (ExAC no frequency). This variant has not been reported in the literature in individuals affected with SPG11-related conditions. Algorithms developed to predict the effect of missense changes on protein structure and function are either unavailable or do not agree on the potential impact of this missense change (SIFT: "Tolerated"; PolyPhen-2: "Possibly Damaging"; Align-GVGD: "Class C0"). In summary, the available evidence is currently insufficient to determine the role of this variant in disease. Therefore, it has been classified as a Variant of Uncertain Significance.

NM_025137.4(SPG11):c.6887A>C (p.Lys2296Thr)

Gene: SPG11 (SPG11 vesicle trafficking associated, spatacsin; minus strand). Cytogenetic location: 15q21.1.
Variant type: single nucleotide variant.
Coding change: c.6887A>C on transcript NM_025137.4 (MANE Select); coding-DNA position 6887, A replaced by C.
Protein change: p.Lys2296Thr; replaces lysine 2296 with threonine.
Molecular consequence: missense variant.
Genome position (GRCh38, 1-based): chr15:44,565,966, T>G on the plus strand (A>C on the coding strand, the complement: SPG11 is on the minus strand). VCF-style: chr15-44565966-T-G. GRCh37 (hg19) VCF-style: chr15-44858164-T-G.
Other names: c.6887A>C (NM_025137.3); c.6548A>C, p.Lys2183Thr (NM_001160227.2); short protein forms K2296T, K2183T.
Identifiers: ClinVar variation 1417187 (VCV001417187.4), dbSNP rs889145962, ClinGen allele CA270058409.